The following is an entry in ClinVar:

NM_024642.5(GALNT12):c.487T>C (p.Ser163Pro)

Gene: GALNT12 (polypeptide N-acetylgalactosaminyltransferase 12; plus strand). Cytogenetic location: 9q22.33.
Variant type: single nucleotide variant.
Coding change: c.487T>C on transcript NM_024642.5 (MANE Select); coding-DNA position 487, T replaced by C.
Protein change: p.Ser163Pro; replaces serine 163 with proline.
Molecular consequence: missense variant.
Genome position (GRCh38, 1-based): chr9:98,823,371, T>C. VCF-style: chr9-98823371-T-C. GRCh37 (hg19) VCF-style: chr9-101585653-T-C.
Other names: short protein forms S163P.
Identifiers: ClinVar variation 4871644 (VCV004871644.1).

ClinVar aggregate classification (germline): Uncertain significance (1 of 4 stars; one submission).

gnomAD v4.1: 1 of 1,614,200 alleles (0.000062%); highest among the groups gnomAD compares: African/African-American, 0.0013%; no homozygotes.

Submission:

Ambry Genetics
Classification: Uncertain significance. Last evaluated: 2026-04-20. Review status: criteria provided, single submitter. Criteria: Ambry Variant Classification Scheme 2023. Collection method: clinical testing. Allele origin: germline.
Comment: The p.S163P variant (also known as c.487T>C), located in coding exon 2 of the GALNT12 gene, results from a T to C substitution at nucleotide position 487. The serine at codon 163 is replaced by proline, an amino acid with similar properties. This amino acid position is conserved. In addition, this alteration is predicted to be deleterious by in silico analysis. Based on the available evidence, the clinical significance of this variant remains unclear.